The following is an entry in ClinVar:

NM_001031710.3(KLHL7):c.1750C>G (p.Leu584Val)

Gene: KLHL7 (kelch like family member 7; plus strand). Cytogenetic location: 7p15.3.
Variant type: single nucleotide variant.
Coding change: c.1750C>G on transcript NM_001031710.3 (MANE Select); coding-DNA position 1750, C replaced by G.
Protein change: p.Leu584Val; replaces leucine 584 with valine.
Molecular consequence: missense variant. On other transcripts: non-coding transcript variant (1).
Genome position (GRCh38, 1-based): chr7:23,174,287, C>G. VCF-style: chr7-23174287-C-G. GRCh37 (hg19) VCF-style: chr7-23213906-C-G.
Other names: c.1606C>G, p.Leu536Val (NM_018846.5); short protein forms L536V, L584V.
Identifiers: ClinVar variation 845516 (VCV000845516.10), dbSNP rs376875728, ClinGen allele CA4186670.

ClinVar aggregate classification (germline): Uncertain significance (1 of 4 stars; one submission).

Allele frequency attached by ClinVar (database versions not stated): gnomAD exomes below 0.00001 and 0.00001; ExAC 0.00002; gnomAD 0.00002 and 0.00003; TOPMed 0.00002; ESP Exome Variant Server 0.00008; 1000 Genomes Project 0.00020; 1000 Genomes Project 30x 0.00031.
gnomAD v4.1: 6 of 1,614,016 alleles (0.00037%); highest among the groups gnomAD compares: African/African-American, 0.0067%; no homozygotes.

Submission:

Labcorp Genetics (formerly Invitae), Labcorp
Classification: Uncertain significance. Last evaluated: 2025-10-09. Review status: criteria provided, single submitter. Criteria: Invitae Variant Classification Sherloc (09022015). Collection method: clinical testing. Allele origin: germline.
Comment: This sequence change replaces leucine, which is neutral and non-polar, with valine, which is neutral and non-polar, at codon 584 of the KLHL7 protein (p.Leu584Val). This variant is present in population databases (rs376875728, gnomAD 0.01%). This variant has not been reported in the literature in individuals affected with KLHL7-related conditions. ClinVar contains an entry for this variant (Variation ID: 845516). An algorithm developed to predict the effect of missense changes on protein structure and function (PolyPhen-2) suggests that this variant is likely to be tolerated. In summary, the available evidence is currently insufficient to determine the role of this variant in disease. Therefore, it has been classified as a Variant of Uncertain Significance.